The following is an entry in ClinVar:

NM_025114.4(CEP290):c.2839G>T (p.Ala947Ser)

Gene: CEP290 (centrosomal protein 290; minus strand). Cytogenetic location: 12q21.32.
Variant type: single nucleotide variant.
Coding change: c.2839G>T on transcript NM_025114.4 (MANE Select); coding-DNA position 2839, G replaced by T.
Protein change: p.Ala947Ser; replaces alanine 947 with serine.
Molecular consequence: missense variant.
Genome position (GRCh38, 1-based): chr12:88,102,990, C>A on the plus strand (G>T on the coding strand, the complement: CEP290 is on the minus strand). VCF-style: chr12-88102990-C-A. GRCh37 (hg19) VCF-style: chr12-88496767-C-A.
Other names: short protein forms A947S.
Identifiers: ClinVar variation 1021737 (VCV001021737.8), dbSNP rs967541984, ClinGen allele CA241148668.

ClinVar aggregate classification (germline): Uncertain significance. Review status: criteria provided, multiple submitters, no conflicts (2 of 4 stars). 3 submissions from 3 submitters: Uncertain significance (2). 1 of the submissions does not count toward it. Last evaluated 2022-06-27.

Conditions:
Joubert syndrome. Also called: Familial aplasia of the vermis; CEREBELLOPARENCHYMAL DISORDER IV; JOUBERT-BOLTSHAUSER SYNDROME. Identifiers: Orphanet 475, MedGen C5979921, MONDO:0018772.
Meckel-Gruber syndrome. Also called: Dysencephalia splachnocystica; DYSENCEPHALIA SPLANCHNOCYSTICA; GRUBER SYNDROME. Identifiers: Orphanet 564, MedGen C0265215, MONDO:0018921.
Nephronophthisis. Also called: Juvenile Nephronophthisis. Identifiers: Orphanet 655, MedGen C0687120, MONDO:0019005, HP:0000090.
Leber congenital amaurosis 10 (LCA10). Identifiers: Orphanet 65, MedGen C1857821, MONDO:0012723, OMIM 611755.
Meckel syndrome, type 4 (MKS4). Also called: MECKEL-GRUBER SYNDROME, TYPE 4. Identifiers: Orphanet 564, MedGen C1970161, MONDO:0012626, OMIM 611134.
Joubert syndrome 5 (JBTS5). Identifiers: Orphanet 2318, MedGen C1857780, MONDO:0012432, OMIM 610188.
Bardet-Biedl syndrome 14 (BBS14). Identifiers: Orphanet 110, MedGen C2673874, MONDO:0014442, OMIM 615991.
Senior-Loken syndrome 6 (SLSN6). Identifiers: Orphanet 3156, MedGen C1857779, MONDO:0012433, OMIM 610189.
Leber congenital amaurosis (LCA). Also called: Leber's amaurosis. Identifiers: Orphanet 65, MedGen C0339527, MeSH D057130, MONDO:0018998.

Allele frequency attached by ClinVar (database versions not stated): gnomAD 0.00001; TOPMed 0.00001.

Submissions (3):

Labcorp Genetics (formerly Invitae), Labcorp
Classification: Uncertain significance for Joubert syndrome; Meckel-Gruber syndrome; Nephronophthisis. Last evaluated: 2022-06-27. Review status: criteria provided, single submitter. Criteria: Invitae Variant Classification Sherloc (09022015). Collection method: clinical testing. Allele origin: germline.
Comment: This sequence change replaces alanine, which is neutral and non-polar, with serine, which is neutral and polar, at codon 947 of the CEP290 protein (p.Ala947Ser). This variant is present in population databases (no rsID available, gnomAD 0.06%). This variant has not been reported in the literature in individuals affected with CEP290-related conditions. ClinVar contains an entry for this variant (Variation ID: 1021737). Algorithms developed to predict the effect of missense changes on protein structure and function are either unavailable or do not agree on the potential impact of this missense change (SIFT: "Tolerated"; PolyPhen-2: "Probably Damaging"; Align-GVGD: "Class C0"). In summary, the available evidence is currently insufficient to determine the role of this variant in disease. Therefore, it has been classified as a Variant of Uncertain Significance.

Fulgent Genetics
Classification: Uncertain significance for Joubert syndrome 5; Senior-Loken syndrome 6; Meckel syndrome, type 4; Leber congenital amaurosis 10; Bardet-Biedl syndrome 14. Last evaluated: 2021-11-01. Review status: criteria provided, single submitter. Criteria: ACMG Guidelines, 2015. Collection method: clinical testing. Allele origin: unknown.

Natera, Inc.
Classification: Uncertain significance for Leber congenital amaurosis. Last evaluated: 2021-02-10. Review status: no assertion criteria provided. Collection method: clinical testing. Allele origin: germline. Not counted in ClinVar's aggregate classification.